The following is an entry in ClinVar:

NM_004588.5(SCN2B):c.436G>A (p.Val146Ile)

Gene: SCN2B (sodium voltage-gated channel beta subunit 2; minus strand). Cytogenetic location: 11q23.3.
Variant type: single nucleotide variant.
Coding change: c.436G>A on transcript NM_004588.5 (MANE Select); coding-DNA position 436, G replaced by A.
Protein change: p.Val146Ile; replaces valine 146 with isoleucine.
Molecular consequence: missense variant.
Genome position (GRCh38, 1-based): chr11:118,168,097, C>T on the plus strand (G>A on the coding strand, the complement: SCN2B is on the minus strand). VCF-style: chr11-118168097-C-T. GRCh37 (hg19) VCF-style: chr11-118038812-C-T.
Other names: short protein forms V146I.
Identifiers: ClinVar variation 1740071 (VCV001740071.2), dbSNP rs1170933230, ClinGen allele CA382784396.

ClinVar aggregate classification (germline): Uncertain significance (1 of 4 stars; one submission).

Conditions:
Cardiovascular phenotype. Identifiers: MedGen CN230736.

Allele frequency attached by ClinVar (database versions not stated): gnomAD exomes 0.00001.
gnomAD v4.1: 10 of 1,613,950 alleles (0.00062%); highest among the groups gnomAD compares: African/African-American, 0.0013%; no homozygotes.

Submission:

Ambry Genetics
Classification: Uncertain significance for Cardiovascular phenotype. Last evaluated: 2022-05-11. Review status: criteria provided, single submitter. Criteria: Ambry Variant Classification Scheme 2023. Collection method: clinical testing. Allele origin: germline.
Comment: The p.V146I variant (also known as c.436G>A), located in coding exon 3 of the SCN2B gene, results from a G to A substitution at nucleotide position 436. The valine at codon 146 is replaced by isoleucine, an amino acid with highly similar properties. This amino acid position is highly conserved in available vertebrate species. In addition, this alteration is predicted to be tolerated by in silico analysis. Since supporting evidence is limited at this time, the clinical significance of this alteration remains unclear.